The following is an entry in ClinVar:

ClinVar aggregate classification (germline): Uncertain significance (1 of 4 stars; one submission).

Allele frequency attached by ClinVar (database versions not stated): gnomAD 0.00002.
gnomAD v4.1: 30 of 1,613,188 alleles (0.0019%); highest among the groups gnomAD compares: Non-Finnish European, 0.0025%; no homozygotes.

Submission:

Labcorp Genetics (formerly Invitae), Labcorp
Classification: Uncertain significance. Last evaluated: 2025-01-23. Review status: criteria provided, single submitter. Criteria: Invitae Variant Classification Sherloc (09022015). Collection method: clinical testing. Allele origin: germline.
Comment: This sequence change replaces proline, which is neutral and non-polar, with threonine, which is neutral and polar, at codon 1142 of the HIVEP2 protein (p.Pro1142Thr). This variant is present in population databases (rs753286071, gnomAD 0.002%). This variant has not been reported in the literature in individuals affected with HIVEP2-related conditions. ClinVar contains an entry for this variant (Variation ID: 2880600). Invitae Evidence Modeling of protein sequence and biophysical properties (such as structural, functional, and spatial information, amino acid conservation, physicochemical variation, residue mobility, and thermodynamic stability) indicates that this missense variant is not expected to disrupt HIVEP2 protein function with a negative predictive value of 80%. In summary, the available evidence is currently insufficient to determine the role of this variant in disease. Therefore, it has been classified as a Variant of Uncertain Significance.

NM_006734.4(HIVEP2):c.3424C>A (p.Pro1142Thr)

Gene: HIVEP2 (HIVEP zinc finger 2; minus strand). Cytogenetic location: 6q24.2.
Variant type: single nucleotide variant.
Coding change: c.3424C>A on transcript NM_006734.4 (MANE Select); coding-DNA position 3424, C replaced by A.
Protein change: p.Pro1142Thr; replaces proline 1142 with threonine.
Molecular consequence: missense variant.
Genome position (GRCh38, 1-based): chr6:142,771,315, G>T on the plus strand (C>A on the coding strand, the complement: HIVEP2 is on the minus strand). VCF-style: chr6-142771315-G-T. GRCh37 (hg19) VCF-style: chr6-143092452-G-T.
Other names: short protein forms P1142T.
Identifiers: ClinVar variation 2880600 (VCV002880600.3), dbSNP rs753286071, ClinGen allele CA4028255.